The following is an entry in ClinVar:

NM_001283009.2(RTEL1):c.2812C>G (p.Leu938Val)

Genes: RTEL1 (regulator of telomere elongation helicase 1; plus strand), RTEL1-TNFRSF6B (RTEL1-TNFRSF6B readthrough (NMD candidate); plus strand). Cytogenetic location: 20q13.33.
Variant type: single nucleotide variant.
Coding change: c.2812C>G on transcript NM_001283009.2 (MANE Select); coding-DNA position 2812, C replaced by G.
Protein change: p.Leu938Val; replaces leucine 938 with valine.
Molecular consequence: missense variant. On other transcripts: non-coding transcript variant (1).
Genome position (GRCh38, 1-based): chr20:63,692,964, C>G. VCF-style: chr20-63692964-C-G. GRCh37 (hg19) VCF-style: chr20-62324317-C-G.
Other names: c.2884C>G (NM_032957.4); c.2143C>G, p.Leu715Val (NM_001283010.1); c.2812C>G, p.Leu938Val (NM_016434.4); c.2884C>G, p.Leu962Val (NM_032957.5); short protein forms L715V, L938V, L962V.
Identifiers: ClinVar variation 2054378 (VCV002054378.4), dbSNP rs763578494, ClinGen allele CA9965554.

ClinVar aggregate classification (germline): Uncertain significance. Review status: criteria provided, multiple submitters, no conflicts (2 of 4 stars). 2 submissions from 2 submitters: Uncertain significance (2). Last evaluated 2025-08-12.

Conditions:
Inborn genetic diseases. Identifiers: MedGen C0950123, MeSH D030342.
Pulmonary fibrosis and/or bone marrow failure, Telomere-related, 3. Also called: PULMONARY FIBROSIS AND/OR BONE MARROW FAILURE SYNDROME, TELOMERE-RELATED, 3. Identifiers: Orphanet 2032, MedGen C4225346, MONDO:0014613, OMIM 616373.
Dyskeratosis congenita, autosomal recessive 5 (DKCB5). Identifiers: MedGen C3554656, MONDO:0014076, OMIM 615190.

Allele frequency attached by ClinVar (database versions not stated): gnomAD 0.00001; TOPMed 0.00001.
gnomAD v4.1: 9 of 1,612,544 alleles (0.00056%); highest among the groups gnomAD compares: Admixed American, 0.013%; no homozygotes.

Submissions (2):

Ambry Genetics
Classification: Uncertain significance for Inborn genetic diseases. Last evaluated: 2025-08-12. Review status: criteria provided, single submitter. Criteria: Ambry Variant Classification Scheme 2023. Collection method: clinical testing. Allele origin: germline.

Labcorp Genetics (formerly Invitae), Labcorp
Classification: Uncertain significance for Dyskeratosis congenita, autosomal recessive 5; Pulmonary fibrosis and/or bone marrow failure, Telomere-related, 3. Last evaluated: 2024-05-23. Review status: criteria provided, single submitter. Criteria: Invitae Variant Classification Sherloc (09022015). Collection method: clinical testing. Allele origin: germline.
Comment: This sequence change replaces leucine, which is neutral and non-polar, with valine, which is neutral and non-polar, at codon 938 of the RTEL1 protein (p.Leu938Val). This variant is present in population databases (rs763578494, gnomAD 0.01%). This variant has not been reported in the literature in individuals affected with RTEL1-related conditions. ClinVar contains an entry for this variant (Variation ID: 2054378). An algorithm developed to predict the effect of missense changes on protein structure and function (PolyPhen-2) suggests that this variant is likely to be tolerated. In summary, the available evidence is currently insufficient to determine the role of this variant in disease. Therefore, it has been classified as a Variant of Uncertain Significance.